The following is an entry in ClinVar:

ClinVar aggregate classification (germline): Uncertain significance (1 of 4 stars; one submission).

Submission:

Women's Health and Genetics/Laboratory Corporation of America, LabCorp
Classification: Uncertain significance. Last evaluated: 2025-05-13. Review status: criteria provided, single submitter. Criteria: LabCorp Variant Classification Summary - May 2015. Collection method: clinical testing. Allele origin: germline.
Comment: Variant summary: The variant involves the duplication of exons 1-3 in the SLC30A10 gene. A presumed nomenclature of c.(?_-118)_(958+1_959-1)dup has been designated for the purposes of this classification. The exact breakpoint at the 5' end of this variant is unknown, therefore this duplication may extend upstream of the annotated region of this gene. It is predicted to duplicate a segment including the initiation codon, therefore its impact on the encoded protein is unknown. The variant was absent in 21694 control chromosomes (gnomAD, structural variants dataset). The available data on variant occurrences in the general population are insufficient to allow any conclusion about variant significance. To our knowledge, no occurrence of c.(?_-118)_(958+1_959-1)dup in individuals affected with Hypermanganesemia With Dystonia, Polycythemia, And Cirrhosis and no experimental evidence demonstrating its impact on protein function have been reported. No submitters have cited clinical-significance assessments for this variant to ClinVar. Based on the evidence outlined above, the variant was classified as uncertain significance.

NC_000001.10:g.(220089291_220091596)_(220101900_?)dup

Gene: SLC30A10 (solute carrier family 30 member 10; minus strand). Cytogenetic location: 1q41.
Variant type: Duplication.
Identifiers: ClinVar variation 3902255 (VCV003902255.1).